The following is an entry in ClinVar:

ClinVar aggregate classification (germline): Uncertain significance. Review status: criteria provided, multiple submitters, no conflicts (2 of 4 stars). 3 submissions from 3 submitters: Uncertain significance (3). Last evaluated 2024-03-14.

Conditions:
Hereditary cancer-predisposing syndrome. Also called: Neoplastic Syndromes, Hereditary; Hereditary neoplastic syndrome; Hereditary Cancer Syndrome; Tumor predisposition. Identifiers: Orphanet 140162, MedGen C0027672, MeSH D009386, MONDO:0015356.
Familial adenomatous polyposis 1 (FAP1). Also called: FAMILIAL ADENOMATOUS POLYPOSIS 1, ATTENUATED; POLYPOSIS, ADENOMATOUS INTESTINAL. Identifiers: MedGen C2713442, MONDO:0021056, OMIM 175100. Disease mechanism: loss of function.

Allele frequency attached by ClinVar (database versions not stated): gnomAD exomes below 0.00001.
gnomAD v4.1: 2 of 1,614,042 alleles (0.00012%); highest among the groups gnomAD compares: Non-Finnish European, 0.00017%; no homozygotes.

Submissions (3):

Ambry Genetics
Classification: Uncertain significance for Hereditary cancer-predisposing syndrome. Last evaluated: 2024-03-14. Review status: criteria provided, single submitter. Criteria: Ambry Variant Classification Scheme 2023. Collection method: clinical testing. Allele origin: germline.
Comment: The p.Q1152H variant (also known as c.3456G>C), located in coding exon 15 of the APC gene, results from a G to C substitution at nucleotide position 3456. The glutamine at codon 1152 is replaced by histidine, an amino acid with highly similar properties. This amino acid position is conserved. In addition, in silico predictors for this gene do not accurately predict pathogenicity. Based on the available evidence, the clinical significance of this alteration remains unclear.

Quest Diagnostics Nichols Institute San Juan Capistrano
Classification: Uncertain significance. Last evaluated: 2023-10-10. Review status: criteria provided, single submitter. Criteria: Quest Diagnostics criteria. Collection method: clinical testing. Allele origin: unknown.

Labcorp Genetics (formerly Invitae), Labcorp
Classification: Uncertain significance for Familial adenomatous polyposis 1. Last evaluated: 2023-02-09. Review status: criteria provided, single submitter. Criteria: Invitae Variant Classification Sherloc (09022015). Collection method: clinical testing. Allele origin: germline.
Comment: This sequence change replaces glutamine, which is neutral and polar, with histidine, which is basic and polar, at codon 1152 of the APC protein (p.Gln1152His). In summary, the available evidence is currently insufficient to determine the role of this variant in disease. Therefore, it has been classified as a Variant of Uncertain Significance. Advanced modeling of protein sequence and biophysical properties (such as structural, functional, and spatial information, amino acid conservation, physicochemical variation, residue mobility, and thermodynamic stability) performed at Invitae indicates that this missense variant is not expected to disrupt APC protein function. This variant has not been reported in the literature in individuals affected with APC-related conditions. This variant is not present in population databases (gnomAD no frequency).

Literature cited by the submitters: PubMed 31645765 (cited by Quest Diagnostics Nichols Institute San Juan Capistrano).

NM_000038.6(APC):c.3456G>C (p.Gln1152His)

Gene: APC (APC regulator of Wnt signaling pathway; plus strand). Cytogenetic location: 5q22.2.
Variant type: single nucleotide variant.
Coding change: c.3456G>C on transcript NM_000038.6 (MANE Select); coding-DNA position 3456, G replaced by C.
Protein change: p.Gln1152His; replaces glutamine 1152 with histidine.
Molecular consequence: missense variant. On other transcripts: non-coding transcript variant (2).
Genome position (GRCh38, 1-based): chr5:112,839,050, G>C. VCF-style: chr5-112839050-G-C. GRCh37 (hg19) VCF-style: chr5-112174747-G-C.
Other names: c.3456G>C (NM_000038.5); c.3456G>C, p.Gln1152His (NM_001127510.3, NM_001407450.1, NM_001354895.2); c.3402G>C, p.Gln1134His (NM_001127511.3); c.2976G>C, p.Gln992His (NM_001354905.2); c.2607G>C, p.Gln869His (NM_001354906.2, NM_001407470.1); c.3540G>C, p.Gln1180His (NM_001407446.1); c.3510G>C, p.Gln1170His (NM_001407447.1, NM_001407448.1, NM_001407449.1 and 1 more transcripts); c.3435G>C, p.Gln1145His (NM_001407451.1); and 12 more; short protein forms Q1023H, Q1142H, Q768H, Q992H, Q1069H, Q1134H, Q869H, Q1124H.
Identifiers: ClinVar variation 2968757 (VCV002968757.5), dbSNP rs1018434615, ClinGen allele CA16028913.